The following is an entry in ClinVar:

NM_000535.7(PMS2):c.1252T>G (p.Ser418Ala)

Gene: PMS2 (PMS1 homolog 2, mismatch repair system component; minus strand). Cytogenetic location: 7p22.1.
Variant type: single nucleotide variant.
Coding change: c.1252T>G on transcript NM_000535.7 (MANE Select); coding-DNA position 1252, T replaced by G.
Protein change: p.Ser418Ala; replaces serine 418 with alanine.
Molecular consequence: missense variant. On other transcripts: non-coding transcript variant (1).
Genome position (GRCh38, 1-based): chr7:5,987,513, A>C on the plus strand (T>G on the coding strand, the complement: PMS2 is on the minus strand). VCF-style: chr7-5987513-A-C. GRCh37 (hg19) VCF-style: chr7-6027144-A-C.
Other names: c.847T>G, p.Ser283Ala (NM_001322003.2, NM_001322004.2, NM_001322005.2 and 1 more transcripts); c.1096T>G, p.Ser366Ala (NM_001322006.2); c.934T>G, p.Ser312Ala (NM_001322007.2, NM_001322008.2); c.691T>G, p.Ser231Ala (NM_001322010.2); c.319T>G, p.Ser107Ala (NM_001322011.2, NM_001322012.2); c.679T>G, p.Ser227Ala (NM_001322013.2); c.1252T>G, p.Ser418Ala (NM_001322014.2); c.943T>G, p.Ser315Ala (NM_001322015.2); short protein forms S418A, S312A, S315A, S227A, S231A, S366A, S107A, S283A.
Identifiers: ClinVar variation 575001 (VCV000575001.15), dbSNP rs1473720483, ClinGen allele CA366742474.

ClinVar aggregate classification (germline): Conflicting classifications of pathogenicity. Review status: criteria provided, conflicting classifications (1 of 4 stars). 3 submissions from 3 submitters: Uncertain significance (2); Likely benign (1). Last evaluated 2024-01-09.

Conditions:
Hereditary nonpolyposis colorectal neoplasms. Identifiers: MedGen C0009405, MeSH D003123.
Hereditary cancer-predisposing syndrome. Also called: Neoplastic Syndromes, Hereditary; Hereditary Cancer Syndrome; Tumor predisposition; Hereditary neoplastic syndrome. Identifiers: Orphanet 140162, MedGen C0027672, MeSH D009386, MONDO:0015356.

Allele frequency attached by ClinVar (database versions not stated): gnomAD exomes below 0.00001; gnomAD 0.00001.
gnomAD v4.1: 2 of 1,614,052 alleles (0.00012%); highest among the groups gnomAD compares: Non-Finnish European, 0.00017%; no homozygotes.

Submissions (3):

Ambry Genetics
Classification: Likely benign for Hereditary cancer-predisposing syndrome. Last evaluated: 2024-01-09. Review status: criteria provided, single submitter. Criteria: Ambry Variant Classification Scheme 2023. Collection method: clinical testing. Allele origin: germline.

Color Diagnostics, LLC DBA Color Health
Classification: Uncertain significance for Hereditary cancer-predisposing syndrome. Last evaluated: 2023-12-05. Review status: criteria provided, single submitter. Criteria: ACMG Guidelines, 2015. Collection method: clinical testing. Allele origin: germline.
Comment: This missense variant replaces serine with alanine at codon 418 of the PMS2 protein. Computational prediction suggests that this variant may not impact protein structure and function (internally defined REVEL score threshold <= 0.5, PMID: 27666373). To our knowledge, functional studies have not been reported for this variant. This variant has not been reported in individuals affected with PMS2-related disorders in the literature. This variant has been identified in 1/31398 chromosomes in the general population by the Genome Aggregation Database (gnomAD). The available evidence is insufficient to determine the role of this variant in disease conclusively. Therefore, this variant is classified as a Variant of Uncertain Significance.

Labcorp Genetics (formerly Invitae), Labcorp
Classification: Uncertain significance for Hereditary nonpolyposis colorectal neoplasms. Last evaluated: 2022-02-08. Review status: criteria provided, single submitter. Criteria: Invitae Variant Classification Sherloc (09022015). Collection method: clinical testing. Allele origin: germline.
Comment: This sequence change replaces serine, which is neutral and polar, with alanine, which is neutral and non-polar, at codon 418 of the PMS2 protein (p.Ser418Ala). This variant is present in population databases (no rsID available, gnomAD 0.007%). This variant has not been reported in the literature in individuals affected with PMS2-related conditions. ClinVar contains an entry for this variant (Variation ID: 575001). Advanced modeling of protein sequence and biophysical properties (such as structural, functional, and spatial information, amino acid conservation, physicochemical variation, residue mobility, and thermodynamic stability) performed at Invitae indicates that this missense variant is not expected to disrupt PMS2 protein function. In summary, the available evidence is currently insufficient to determine the role of this variant in disease. Therefore, it has been classified as a Variant of Uncertain Significance.